The following is an entry in ClinVar:

ClinVar aggregate classification (germline): Uncertain significance. Review status: criteria provided, multiple submitters, no conflicts (2 of 4 stars). 2 submissions from 2 submitters: Uncertain significance (2). Last evaluated 2024-01-24.

Conditions:
Alstrom syndrome (ALMS). Identifiers: Orphanet 64, MedGen C0268425, MONDO:0008763, OMIM 203800.

Allele frequency attached by ClinVar (database versions not stated): gnomAD exomes below 0.00001; gnomAD 0.00001.
gnomAD v4.1: 4 of 1,613,920 alleles (0.00025%); highest among the groups gnomAD compares: South Asian, 0.0033%; no homozygotes.

Submissions (2):

Labcorp Genetics (formerly Invitae), Labcorp
Classification: Uncertain significance for Alstrom syndrome. Last evaluated: 2024-01-24. Review status: criteria provided, single submitter. Criteria: Invitae Variant Classification Sherloc (09022015). Collection method: clinical testing. Allele origin: germline.
Comment: This sequence change replaces glutamine, which is neutral and polar, with arginine, which is basic and polar, at codon 1251 of the ALMS1 protein (p.Gln1251Arg). This variant is present in population databases (no rsID available, gnomAD 0.007%). This variant has not been reported in the literature in individuals affected with ALMS1-related conditions. ClinVar contains an entry for this variant (Variation ID: 1350782). Experimental studies and prediction algorithms are not available or were not evaluated, and the functional significance of this variant is currently unknown. In summary, the available evidence is currently insufficient to determine the role of this variant in disease. Therefore, it has been classified as a Variant of Uncertain Significance.

Fulgent Genetics
Classification: Uncertain significance for Alstrom syndrome. Last evaluated: 2022-01-04. Review status: criteria provided, single submitter. Criteria: ACMG Guidelines, 2015. Collection method: clinical testing. Allele origin: unknown.

NM_001378454.1(ALMS1):c.3749A>G (p.Gln1250Arg)

Gene: ALMS1 (ALMS1 centrosome and basal body associated protein; plus strand). Cytogenetic location: 2p13.1.
Variant type: single nucleotide variant.
Coding change: c.3749A>G on transcript NM_001378454.1 (MANE Select); coding-DNA position 3749, A replaced by G.
Protein change: p.Gln1250Arg; replaces glutamine 1250 with arginine.
Molecular consequence: missense variant.
Genome position (GRCh38, 1-based): chr2:73,450,276, A>G. VCF-style: chr2-73450276-A-G. GRCh37 (hg19) VCF-style: chr2-73677403-A-G.
Other names: c.3752A>G, p.Gln1251Arg (NM_015120.4); short protein forms Q1251R, Q1250R.
Identifiers: ClinVar variation 1350782 (VCV001350782.5), dbSNP rs1332453858, ClinGen allele CA347276501.
Genomic context (GRCh38, chr2:73,450,276, plus strand): 5'-GGACACCAACTCCAACCTCTGCTTCTTACTCACACACAGAGAAGCCTGGTATTTTCTACC[A>G]ACAGGTCTTGCCAGATAATCATCCAACTGAAGAGGCTCTGAAAATTTCAGTTGCCTCTGA-3'
Protein context (NP_001365383.1, residues 1240-1260): SHTEKPGIFY[Gln1250Arg]QVLPDNHPTE